The following is an entry in ClinVar:

NM_006231.4(POLE):c.5491_5492del (p.Leu1831fs)

Gene: POLE (DNA polymerase epsilon, catalytic subunit; minus strand). Cytogenetic location: 12q24.33.
Variant type: Microsatellite.
Coding change: c.5491_5492del on transcript NM_006231.4 (MANE Select); coding-DNA positions 5491 to 5492, 2 bases deleted (CT; older notation c.5491_5492delCT).
Protein change: p.Leu1831fs; shifts the reading frame from leucine 1831.
Molecular consequence: frameshift variant.
Genome position (GRCh38, 1-based): chr12:132,639,185-132,639,186, AG deleted on the plus strand (CT on the coding strand, the reverse complement: POLE is on the minus strand); deleting any 2 consecutive bases within chr12:132,639,185-132,639,190 gives the same sequence; the c. name uses the placement nearest the transcript's 3' end. VCF-style (leftmost placement, unchanged base first): chr12-132639184-CAG-C. GRCh37 (hg19) VCF-style: chr12-133215770-CAG-C.
Other names: short protein forms L1831fs.
Identifiers: ClinVar variation 240559 (VCV000240559.9), dbSNP rs878854883, ClinGen allele CA10582976.

ClinVar aggregate classification (germline): Conflicting classifications of pathogenicity. Review status: criteria provided, conflicting classifications (1 of 4 stars). 2 submissions from 2 submitters: Pathogenic (1); Uncertain significance (1). Last evaluated 2025-03-11.

Conditions:
Hereditary cancer-predisposing syndrome. Also called: Tumor predisposition; Neoplastic Syndromes, Hereditary; Hereditary Cancer Syndrome; Hereditary neoplastic syndrome. Identifiers: Orphanet 140162, MedGen C0027672, MeSH D009386, MONDO:0015356.

Submissions (2):

Ambry Genetics
Classification: Uncertain significance for Hereditary cancer-predisposing syndrome. Last evaluated: 2025-03-11. Review status: criteria provided, single submitter. Criteria: Ambry Variant Classification Scheme 2023. Collection method: clinical testing. Allele origin: germline.
Comment: The c.5491_5492delCT variant, located in coding exon 40 of the POLE gene, results from a deletion of two nucleotides at nucleotide positions 5491 to 5492, causing a translational frameshift with a predicted alternate stop codon (p.L1831Afs*3). This alteration is expected to result in loss of function by premature protein truncation or nonsense-mediated mRNA decay. Although biallelic loss of function of POLE has been associated with autosomal recessive POLE deficiency, haploinsufficiency of POLE has not been established as a mechanism of disease for POLE-related polymerase proofreading-associated polyposis (PPAP) and POLE-related CMMRD-like syndrome. Based on the supporting evidence, this variant is expected to be causative of POLE deficiency when present along with a second pathogenic variant on the other allele; however, its clinical significance for PPAP and POLE-related CMMRD-like syndrome is unclear.

Labcorp Genetics (formerly Invitae), Labcorp
Classification: Pathogenic. Last evaluated: 2023-01-14. Review status: criteria provided, single submitter. Criteria: Invitae Variant Classification Sherloc (09022015). Collection method: clinical testing. Allele origin: germline.
Comment: For these reasons, this variant has been classified as Pathogenic. This variant has not been reported in the literature in individuals affected with POLE-related conditions. This variant is not present in population databases (gnomAD no frequency). This sequence change creates a premature translational stop signal (p.Leu1831Alafs*3) in the POLE gene. It is expected to result in an absent or disrupted protein product. Loss-of-function variants in POLE are known to be pathogenic (PMID: 23230001, 25948378, 30503519).

Literature cited by the submitters: PubMed 23230001 (cited by Labcorp Genetics (formerly Invitae), Labcorp); PubMed 25948378 (cited by Labcorp Genetics (formerly Invitae), Labcorp); PubMed 30503519 (cited by Labcorp Genetics (formerly Invitae), Labcorp).